The following is an entry in ClinVar:

NM_001080512.3(BICC1):c.1615G>A (p.Gly539Arg)

Gene: BICC1 (BicC family RNA binding protein 1; plus strand). Cytogenetic location: 10q21.1.
Variant type: single nucleotide variant.
Coding change: c.1615G>A on transcript NM_001080512.3 (MANE Select); coding-DNA position 1615, G replaced by A.
Protein change: p.Gly539Arg; replaces glycine 539 with arginine.
Molecular consequence: missense variant.
Genome position (GRCh38, 1-based): chr10:58,799,142, G>A. VCF-style: chr10-58799142-G-A. GRCh37 (hg19) VCF-style: chr10-60558902-G-A.
Other names: short protein forms G539R.
Identifiers: ClinVar variation 2284094 (VCV002284094.6), dbSNP rs777495515, ClinGen allele CA5508541.

ClinVar aggregate classification (germline): Uncertain significance. Review status: criteria provided, multiple submitters, no conflicts (2 of 4 stars). 2 submissions from 2 submitters: Uncertain significance (2). Last evaluated 2025-02-23.

Allele frequency attached by ClinVar (database versions not stated): ExAC 0.00001.
gnomAD v4.1: 15 of 1,613,806 alleles (0.00093%); highest among the groups gnomAD compares: Non-Finnish European, 0.0012%; no homozygotes.

Submissions (2):

Ambry Genetics
Classification: Uncertain significance. Last evaluated: 2025-02-23. Review status: criteria provided, single submitter. Criteria: Ambry Variant Classification Scheme 2023. Collection method: clinical testing. Allele origin: germline.

Labcorp Genetics (formerly Invitae), Labcorp
Classification: Uncertain significance. Last evaluated: 2024-02-15. Review status: criteria provided, single submitter. Criteria: Invitae Variant Classification Sherloc (09022015). Collection method: clinical testing. Allele origin: germline.
Comment: This sequence change replaces glycine, which is neutral and non-polar, with arginine, which is basic and polar, at codon 539 of the BICC1 protein (p.Gly539Arg). This variant is present in population databases (rs777495515, gnomAD 0.002%). This variant has not been reported in the literature in individuals affected with BICC1-related conditions. ClinVar contains an entry for this variant (Variation ID: 2284094). An algorithm developed to predict the effect of missense changes on protein structure and function (PolyPhen-2) suggests that this variant is likely to be tolerated. Algorithms developed to predict the effect of sequence changes on RNA splicing suggest that this variant may create or strengthen a splice site. In summary, the available evidence is currently insufficient to determine the role of this variant in disease. Therefore, it has been classified as a Variant of Uncertain Significance.